The following is an entry in ClinVar:

ClinVar aggregate classification (germline): Uncertain significance (1 of 4 stars; one submission).

Conditions:
Orofacial cleft 11 (OFC11). Also called: Orofacial cleft 11; ofc11; CLEFT LIP WITH OR WITHOUT CLEFT PALATE, NONSYNDROMIC, 11. Identifiers: MedGen C2677434, MONDO:0010906, OMIM 600625.
Microphthalmia with brain and digit anomalies (MCOPS6). Also called: MICROPHTHALMIA AND PITUITARY ANOMALIES; Microphthalmia, syndromic 6. Identifiers: Orphanet 139471, MedGen C1864689, MONDO:0011936, OMIM 607932.

Submission:

Labcorp Genetics (formerly Invitae), Labcorp
Classification: Uncertain significance for Microphthalmia with brain and digit anomalies; Orofacial cleft 11. Last evaluated: 2025-07-29. Review status: criteria provided, single submitter. Criteria: Invitae Variant Classification Sherloc (09022015). Collection method: clinical testing. Allele origin: germline.
Comment: This sequence change replaces leucine, which is neutral and non-polar, with phenylalanine, which is neutral and non-polar, at codon 195 of the BMP4 protein (p.Leu195Phe). This variant is not present in population databases (gnomAD no frequency). This variant has not been reported in the literature in individuals affected with BMP4-related conditions. Invitae Evidence Modeling of protein sequence and biophysical properties (such as structural, functional, and spatial information, amino acid conservation, physicochemical variation, residue mobility, and thermodynamic stability) indicates that this missense variant is not expected to disrupt BMP4 protein function with a negative predictive value of 80%. In summary, the available evidence is currently insufficient to determine the role of this variant in disease. Therefore, it has been classified as a Variant of Uncertain Significance.

NM_001202.6(BMP4):c.583C>T (p.Leu195Phe)

Gene: BMP4 (bone morphogenetic protein 4; minus strand). Cytogenetic location: 14q22.2.
Variant type: single nucleotide variant.
Coding change: c.583C>T on transcript NM_001202.6 (MANE Select); coding-DNA position 583, C replaced by T.
Protein change: p.Leu195Phe; replaces leucine 195 with phenylalanine.
Molecular consequence: missense variant.
Genome position (GRCh38, 1-based): chr14:53,950,676, G>A on the plus strand (C>T on the coding strand, the complement: BMP4 is on the minus strand). VCF-style: chr14-53950676-G-A. GRCh37 (hg19) VCF-style: chr14-54417394-G-A.
Other names: c.724C>T, p.Leu242Phe (NM_001347912.1); c.394C>T, p.Leu132Phe (NM_001347913.2, NM_001347915.2, NM_001347917.1); c.583C>T, p.Leu195Phe (NM_001347914.2, NM_001347916.1, NM_130850.5 and 1 more transcripts); short protein forms L195F, L132F, L242F.
Identifiers: ClinVar variation 4782944 (VCV004782944.1).
Genomic context (GRCh38, chr14:53,950,676, plus strand): 5'-AAGTTTCCCACCGTGTCACATTGTGGTGGACCAGTCTCGTGTCCAGTAGTCGTGTGATGA[G>A]GTGCCCAGGCACCACTTCTGCTGGGGGCTTCATAACCTCATAAATGTTTATACGGTGGAA-3'
Protein context (NP_001193.2, residues 185-205): KPPAEVVPGH[Leu195Phe]ITRLLDTRLV